The following is an entry in ClinVar:

ClinVar aggregate classification (germline): Uncertain significance (1 of 4 stars; one submission).

Conditions:
RYR1-related disorder. Also called: RYR1-related condition; RYR1-related disorders. Identifiers: MedGen CN239331.

Submission:

Labcorp Genetics (formerly Invitae), Labcorp
Classification: Uncertain significance for RYR1-related disorder. Last evaluated: 2021-10-19. Review status: criteria provided, single submitter. Criteria: Invitae Variant Classification Sherloc (09022015). Collection method: clinical testing. Allele origin: germline.
Comment: This sequence change replaces isoleucine with phenylalanine at codon 2321 of the RYR1 protein (p.Ile2321Phe). The isoleucine residue is highly conserved and there is a small physicochemical difference between isoleucine and phenylalanine. This variant is not present in population databases (ExAC no frequency). This variant has not been reported in the literature in individuals affected with RYR1-related conditions. Algorithms developed to predict the effect of missense changes on protein structure and function are either unavailable or do not agree on the potential impact of this missense change (SIFT: "Deleterious"; PolyPhen-2: "Benign"; Align-GVGD: "Class C0"). In summary, the available evidence is currently insufficient to determine the role of this variant in disease. Therefore, it has been classified as a Variant of Uncertain Significance.

NM_000540.3(RYR1):c.6961A>T (p.Ile2321Phe)

Gene: RYR1 (ryanodine receptor 1; plus strand). Cytogenetic location: 19q13.2.
Variant type: single nucleotide variant.
Coding change: c.6961A>T on transcript NM_000540.3 (MANE Select); coding-DNA position 6961, A replaced by T.
Protein change: p.Ile2321Phe; replaces isoleucine 2321 with phenylalanine.
Molecular consequence: missense variant.
Genome position (GRCh38, 1-based): chr19:38,499,177, A>T. VCF-style: chr19-38499177-A-T. GRCh37 (hg19) VCF-style: chr19-38989817-A-T.
Other names: c.6961A>T, p.Ile2321Phe (NM_001042723.2); short protein forms I2321F.
Identifiers: ClinVar variation 1482847 (VCV001482847.6), dbSNP rs34390345, ClinGen allele CA405667302.